The following is an entry in ClinVar:

ClinVar aggregate classification (germline): Uncertain significance (1 of 4 stars; one submission).

Conditions:
Xeroderma pigmentosum, group F (XPF). Also called: XERODERMA PIGMENTOSUM, COMPLEMENTATION GROUP F; XERODERMA PIGMENTOSUM, TYPE F; Xeroderma pigmentosum, type 6; ERCC4-Related Xeroderma Pigmentosum; XERODERMA PIGMENTOSUM VI; XP, GROUP F. Identifiers: MedGen C0268140, MONDO:0010215, OMIM 278760.
Cockayne syndrome. Identifiers: Orphanet 191, MedGen C0009207, MONDO:0016006.
Fanconi anemia complementation group Q. Identifiers: Orphanet 84, MedGen C3808988, MONDO:0014108, OMIM 615272.

Submission:

Labcorp Genetics (formerly Invitae), Labcorp
Classification: Uncertain significance for Fanconi anemia complementation group Q; Xeroderma pigmentosum, group F; Cockayne syndrome. Last evaluated: 2022-04-26. Review status: criteria provided, single submitter. Criteria: Invitae Variant Classification Sherloc (09022015). Collection method: clinical testing. Allele origin: germline.
Comment: In summary, the available evidence is currently insufficient to determine the role of this variant in disease. Therefore, it has been classified as a Variant of Uncertain Significance. Algorithms developed to predict the effect of missense changes on protein structure and function are either unavailable or do not agree on the potential impact of this missense change (SIFT: "Deleterious"; PolyPhen-2: "Probably Damaging"; Align-GVGD: "Class C15"). This variant has not been reported in the literature in individuals affected with ERCC4-related conditions. This variant is not present in population databases (gnomAD no frequency). This sequence change replaces glycine, which is neutral and non-polar, with arginine, which is basic and polar, at codon 105 of the ERCC4 protein (p.Gly105Arg).

NM_005236.3(ERCC4):c.313G>C (p.Gly105Arg)

Gene: ERCC4 (ERCC excision repair 4, endonuclease catalytic subunit; plus strand). Cytogenetic location: 16p13.12.
Variant type: single nucleotide variant.
Coding change: c.313G>C on transcript NM_005236.3 (MANE Select); coding-DNA position 313, G replaced by C.
Protein change: p.Gly105Arg; replaces glycine 105 with arginine.
Molecular consequence: missense variant.
Genome position (GRCh38, 1-based): chr16:13,922,136, G>C. VCF-style: chr16-13922136-G-C. GRCh37 (hg19) VCF-style: chr16-14015993-G-C.
Other names: short protein forms G105R.
Identifiers: ClinVar variation 2130865 (VCV002130865.4), dbSNP rs2543164277, ClinGen allele CA394818188.